The following is an entry in ClinVar:

NC_000011.9:g.(?_108098352)_(108206708_?)del

Gene: ATM (ATM serine/threonine kinase; plus strand). Cytogenetic location: 11q22.3.
Variant type: Deletion.
Identifiers: ClinVar variation 3244470 (VCV003244470.1).

ClinVar aggregate classification (germline): Pathogenic (1 of 4 stars; one submission).

Conditions:
Ataxia-telangiectasia syndrome (AT). Also called: LOUIS-BAR SYNDROME; Cerebello-oculocutaneous telangiectasia; Immunodeficiency with ataxia telangiectasia; AT, COMPLEMENTATION GROUP C; Ataxia-telangiectasia, complementation group D; ATAXIA-TELANGIECTASIA, COMPLEMENTATION GROUP A. Identifiers: Orphanet 100, MedGen C0004135, MONDO:0008840, OMIM 208900.

Submission:

Labcorp Genetics (formerly Invitae), Labcorp
Classification: Pathogenic for Ataxia-telangiectasia syndrome. Last evaluated: 2023-05-05. Review status: criteria provided, single submitter. Criteria: Invitae Variant Classification Sherloc (09022015). Collection method: clinical testing. Allele origin: unknown.
Comment: For these reasons, this variant has been classified as Pathogenic. This variant has not been reported in the literature in individuals affected with ATM-related conditions. This variant is a gross deletion of the genomic region encompassing exon(s) 2-56 of the ATM gene, which includes the initiator codon. This deletion extends beyond the assayed region for this gene and therefore may encompass additional genes. It is expected to result in an absent or disrupted protein product. Loss-of-function variants in ATM are known to be pathogenic (PMID: 23807571, 25614872).

Literature cited by the submitters: PubMed 23807571; PubMed 25614872.